The following is an entry in ClinVar:

ClinVar aggregate classification (germline): Uncertain significance (1 of 4 stars; one submission).

Submission:

Labcorp Genetics (formerly Invitae), Labcorp
Classification: Uncertain significance. Last evaluated: 2020-01-23. Review status: criteria provided, single submitter. Criteria: Invitae Variant Classification Sherloc (09022015). Collection method: clinical testing. Allele origin: germline.
Comment: In summary, the available evidence is currently insufficient to determine the role of this variant in disease. Therefore, it has been classified as a Variant of Uncertain Significance. Algorithms developed to predict the effect of missense changes on protein structure and function are either unavailable or do not agree on the potential impact of this missense change (SIFT: "Deleterious"; PolyPhen-2: "Benign"; Align-GVGD: "Class C55"). This variant has not been reported in the literature in individuals with FZD4-related conditions. This variant is not present in population databases (ExAC no frequency). This sequence change replaces valine with alanine at codon 225 of the FZD4 protein (p.Val225Ala). The valine residue is highly conserved and there is a small physicochemical difference between valine and alanine.

NM_012193.4(FZD4):c.674T>C (p.Val225Ala)

Genes: FZD4 (frizzled class receptor 4; minus strand), PRSS23 (serine protease 23; plus strand). Cytogenetic location: 11q14.2.
Variant type: single nucleotide variant.
Coding change: c.674T>C on transcript NM_012193.4 (MANE Select); coding-DNA position 674, T replaced by C.
Protein change: p.Val225Ala; replaces valine 225 with alanine.
Molecular consequence: missense variant. On other transcripts: non-coding transcript variant (2).
Genome position (GRCh38, 1-based): chr11:86,952,082, A>G on the plus strand (T>C on the coding strand, the complement: FZD4 is on the minus strand). VCF-style: chr11-86952082-A-G. GRCh37 (hg19) VCF-style: chr11-86663124-A-G.
Other names: short protein forms V225A.
Identifiers: ClinVar variation 1047093 (VCV001047093.9), dbSNP rs1949298184, ClinGen allele CA382014922.
Genomic context (GRCh38, chr11:86,952,082, plus strand): 5'-GAATCGATCAGGAAGGTCAGTACTGTGAAGGCAGTGGAGATGAAACACAGGCTGGCCCAC[A>G]CAGCCATCCAGATATCAGTGAACTCCTTGGCTGAGCGGCTGTATAAGCCAGCATCATAGC-3'
Protein context (NP_036325.2, residues 215-235): AKEFTDIWMA[Val225Ala]WASLCFISTA